The following is an entry in ClinVar:

ClinVar aggregate classification (germline): Likely benign. Review status: criteria provided, multiple submitters, no conflicts (2 of 4 stars). 2 submissions from 2 submitters: Likely benign (2). Last evaluated 2025-09-05.

Conditions:
Neurodevelopmental disorder with or without hyperkinetic movements and seizures, autosomal dominant. Also called: Intellectual disability, autosomal dominant 8. Identifiers: MedGen C3280282, MONDO:0013655, OMIM 614254.

Allele frequency attached by ClinVar (database versions not stated): TOPMed 0.00001; gnomAD 0.00002; gnomAD exomes 0.00002.
gnomAD v4.1: 33 of 1,612,772 alleles (0.002%); highest among the groups gnomAD compares: Non-Finnish European, 0.0027%; no homozygotes.

Submissions (2):

Mayo Clinic Laboratories, Mayo Clinic
Classification: Likely benign. Last evaluated: 2025-09-05. Review status: criteria provided, single submitter. Criteria: ACMG Guidelines, 2015. Collection method: clinical testing. Allele origin: germline. Observed: 1 variant allele.
Comment: BP4, BP7

Labcorp Genetics (formerly Invitae), Labcorp
Classification: Likely benign for Neurodevelopmental disorder with or without hyperkinetic movements and seizures, autosomal dominant. Last evaluated: 2024-10-21. Review status: criteria provided, single submitter. Criteria: Invitae Variant Classification Sherloc (09022015). Collection method: clinical testing. Allele origin: germline.

NM_007327.4(GRIN1):c.1134G>A (p.Lys378=)

Gene: GRIN1 (glutamate ionotropic receptor NMDA type subunit 1; plus strand). Cytogenetic location: 9q34.3.
Variant type: single nucleotide variant.
Coding change: c.1134G>A on transcript NM_007327.4 (MANE Select); coding-DNA position 1134, G replaced by A.
Protein change: p.Lys378=; no amino-acid change (lysine 378 retained).
Molecular consequence: synonymous variant.
Genome position (GRCh38, 1-based): chr9:137,158,641, G>A. VCF-style: chr9-137158641-G-A. GRCh37 (hg19) VCF-style: chr9-140053093-G-A.
Other names: p.Lys378=; c.1134G>A, p.Lys378= (NM_000832.7, NM_021569.4); c.1197G>A, p.Lys399= (NM_001185090.2, NM_001185091.2).
Identifiers: ClinVar variation 3012894 (VCV003012894.4), dbSNP rs200858974, ClinGen allele CA201739273.